The following is an entry in ClinVar:

NM_001080414.4(CCDC88C):c.1158G>C (p.Glu386Asp)

Gene: CCDC88C (coiled-coil and HOOK domain protein 88C; minus strand). Cytogenetic location: 14q32.11.
Variant type: single nucleotide variant.
Coding change: c.1158G>C on transcript NM_001080414.4 (MANE Select); coding-DNA position 1158, G replaced by C.
Protein change: p.Glu386Asp; replaces glutamic acid 386 with aspartic acid.
Molecular consequence: missense variant.
Genome position (GRCh38, 1-based): chr14:91,325,949, C>G on the plus strand (G>C on the coding strand, the complement: CCDC88C is on the minus strand). VCF-style: chr14-91325949-C-G. GRCh37 (hg19) VCF-style: chr14-91792293-C-G.
Other names: short protein forms E386D.
Identifiers: ClinVar variation 713284 (VCV000713284.8), dbSNP rs142378431, ClinGen allele CA7309984.

ClinVar aggregate classification (germline): Benign. Review status: criteria provided, single submitter (1 of 4 stars). 2 submissions from 2 submitters: Benign (1). 1 of the submissions does not count toward it. Last evaluated 2026-01-24.

Conditions:
CCDC88C-related disorder. Also called: CCDC88C-Related Disorders; CCDC88C-related condition.

Allele frequency attached by ClinVar (database versions not stated): gnomAD 0.00011 and 0.00019; gnomAD exomes 0.00013 and 0.00048; TOPMed 0.00020; ExAC 0.00067; 1000 Genomes Project 0.00120; 1000 Genomes Project 30x 0.00172.
gnomAD v4.1: 211 of 1,559,466 alleles (0.014%); highest among the groups gnomAD compares: East Asian, 0.47%; no homozygotes.

Submissions (2):

Labcorp Genetics (formerly Invitae), Labcorp
Classification: Benign. Last evaluated: 2026-01-24. Review status: criteria provided, single submitter. Criteria: Invitae Variant Classification Sherloc (09022015). Collection method: clinical testing. Allele origin: germline.

PreventionGenetics, part of Exact Sciences
Classification: Likely benign for CCDC88C-related condition. Last evaluated: 2020-08-20. Review status: no assertion criteria provided. Collection method: clinical testing. Allele origin: germline. Not counted in ClinVar's aggregate classification.
Comment: This variant is classified as likely benign based on ACMG/AMP sequence variant interpretation guidelines (Richards et al. 2015 PMID: 25741868, with internal and published modifications).